The following is an entry in ClinVar:

ClinVar aggregate classification (germline): Benign. Review status: criteria provided, multiple submitters, no conflicts (2 of 4 stars). 23 submissions from 19 submitters: Benign (19). 4 of the submissions do not count toward it. Last evaluated 2026-02-04.

Conditions:
Desmin-related myofibrillar myopathy (MFM1). Also called: MYOFIBRILLAR MYOPATHY WITH ARRHYTHMOGENIC RIGHT VENTRICULAR CARDIOMYOPATHY; DESMIN-RELATED MYOPATHY WITH ARRHYTHMOGENIC RIGHT VENTRICULAR CARDIOMYOPATHY; Myofibrillar myopathy 1; Desmin related myopathy (former name); Desmin storage myopathy (former name); Desminopathy. Identifiers: Orphanet 363543, Orphanet 98909, MedGen C1832370, MONDO:0011076, OMIM 601419.
Cardiovascular phenotype. Identifiers: MedGen CN230736.
Cardiomyopathy (CMYO). Also called: Cardiomyopathies. Identifiers: Orphanet 167848, MedGen C0878544, MONDO:0004994, HP:0001638. Inheritance: Various modes of inheritance.
Dilated cardiomyopathy 1I (CMD1I). Identifiers: Orphanet 154, MedGen C1858154, MONDO:0011482, OMIM 604765.
Neurogenic scapuloperoneal syndrome, Kaeser type (SCPNK). Also called: KAESER SYNDROME. Identifiers: Orphanet 85146, MedGen C1867005, MONDO:0008407, OMIM 181400.

Allele frequency attached by ClinVar (database versions not stated): gnomAD exomes 0.98025; 1000 Genomes Project 30x 0.87929; TOPMed 0.88458; gnomAD 0.89610 and 0.89847; ExAC 0.96521; 1000 Genomes Project 0.88618; ESP Exome Variant Server 0.89723.
gnomAD v4.1: 1,557,738 of 1,602,894 alleles (97%); highest among the groups gnomAD compares: East Asian, 100%; 760,892 homozygotes.

Submissions (23):

Labcorp Genetics (formerly Invitae), Labcorp
Classification: Benign for Desmin-related myofibrillar myopathy. Last evaluated: 2026-02-04. Review status: criteria provided, single submitter. Criteria: Invitae Variant Classification Sherloc (09022015). Collection method: clinical testing. Allele origin: germline.

Molecular Diagnostic Laboratory for Inherited Cardiovascular Disease, Montreal Heart Institute
Classification: Benign. Last evaluated: 2025-04-09. Review status: criteria provided, single submitter. Criteria: ACMG Guidelines, 2015. Collection method: clinical testing. Allele origin: germline. Affected: no.

Blueprint Genetics
Classification: Benign. Last evaluated: 2024-11-26. Review status: criteria provided, single submitter. Criteria: ACMG Guidelines, 2015. Collection method: clinical testing. Allele origin: germline.

Genome-Nilou Lab
Classification: Benign for Dilated cardiomyopathy 1I. Last evaluated: 2021-07-30. Review status: criteria provided, single submitter. Criteria: ACMG Guidelines, 2015. Collection method: clinical testing. Allele origin: germline. Affected: no.

Genome-Nilou Lab
Classification: Benign for Desmin-related myofibrillar myopathy. Last evaluated: 2021-07-30. Review status: criteria provided, single submitter. Criteria: ACMG Guidelines, 2015. Collection method: clinical testing. Allele origin: germline. Affected: no.

Genome-Nilou Lab
Classification: Benign for Neurogenic scapuloperoneal syndrome, Kaeser type. Last evaluated: 2021-07-30. Review status: criteria provided, single submitter. Criteria: ACMG Guidelines, 2015. Collection method: clinical testing. Allele origin: germline. Affected: no.

Illumina Laboratory Services, Illumina
Classification: Benign for Myofibrillar myopathy 1. Last evaluated: 2018-01-13. Review status: criteria provided, single submitter. Criteria: ICSL Variant Classification Criteria 13 December 2019. Collection method: clinical testing. Allele origin: germline.
Comment: This variant was observed in the ICSL laboratory as part of a predisposition screen in an ostensibly healthy population. It had not been previously curated by ICSL or reported in the Human Gene Mutation Database (HGMD: prior to June 1st, 2018), and was therefore a candidate for classification through an automated scoring system. Utilizing variant allele frequency, disease prevalence and penetrance estimates, and inheritance mode, an automated score was calculated to assess if this variant is too frequent to cause the disease. Based on the score and internal cut-off values, a variant classified as benign is not then subjected to further curation. The score for this variant resulted in a classification of benign for this disease.

Illumina Laboratory Services, Illumina
Classification: Benign for Neurogenic scapuloperoneal syndrome, Kaeser type. Last evaluated: 2018-01-13. Review status: criteria provided, single submitter. Criteria: ICSL Variant Classification Criteria 13 December 2019. Collection method: clinical testing. Allele origin: germline.
Comment: the same text as in the submission from Illumina Laboratory Services, Illumina above.

Illumina Laboratory Services, Illumina
Classification: Benign for Dilated cardiomyopathy 1I. Last evaluated: 2018-01-13. Review status: criteria provided, single submitter. Criteria: ICSL Variant Classification Criteria 13 December 2019. Collection method: clinical testing. Allele origin: germline.
Comment: the same text as in the submission from Illumina Laboratory Services, Illumina above.

Mayo Clinic Laboratories, Mayo Clinic
Classification: Benign. Last evaluated: 2017-07-21. Review status: criteria provided, single submitter. Criteria: ACMG Guidelines, 2015. Collection method: clinical testing. Allele origin: germline. Observed: 2,384 variant alleles.

Athena Diagnostics
Classification: Benign. Last evaluated: 2017-07-12. Review status: criteria provided, single submitter. Criteria: Athena Diagnostics Criteria. Collection method: clinical testing. Allele origin: germline.

Eurofins Ntd Llc (ga)
Classification: Benign. Last evaluated: 2016-06-02. Review status: criteria provided, single submitter. Criteria: EGL Classification Definitions 2015. Collection method: clinical testing. Allele origin: germline. Observed: 24 variant alleles, 5 heterozygotes, 19 homozygotes.

Ambry Genetics
Classification: Benign for Cardiovascular phenotype. Last evaluated: 2015-03-11. Review status: criteria provided, single submitter. Criteria: Ambry Variant Classification Scheme 2023. Collection method: clinical testing. Allele origin: germline.

Genetic Services Laboratory, University of Chicago
Classification: Benign for AllHighlyPenetrant. Last evaluated: 2013-08-15. Review status: criteria provided, single submitter. Criteria: ACMG Guidelines, 2007. Collection method: clinical testing. Allele origin: germline. Inheritance: Autosomal dominant inheritance.

GeneDx
Classification: Benign. Last evaluated: 2012-11-01. Review status: criteria provided, single submitter. Criteria: GeneDx Variant Classification (06012015). Collection method: clinical testing. Allele origin: germline. Affected: yes.
Comment: This variant is considered likely benign or benign based on one or more of the following criteria: it is a conservative change, it occurs at a poorly conserved position in the protein, it is predicted to be benign by multiple in silico algorithms, and/or has population frequency not consistent with disease.

Women's Health and Genetics/Laboratory Corporation of America, LabCorp
Classification: Benign for Cardiomyopathy. Last evaluated: 2011-08-18. Review status: criteria provided, single submitter. Criteria: LabCorp Variant Classification Summary - May 2015. Collection method: curation. Allele origin: germline. Inheritance: autosomal unknown. Affected: yes.
ClinVar note: Converted during submission from benign to Benign.

Laboratory for Molecular Medicine, Mass General Brigham Personalized Medicine
Classification: Benign. Last evaluated: 2011-08-12. Review status: criteria provided, single submitter. Criteria: LMM Criteria. Collection method: clinical testing. Allele origin: germline. Observed: 2,032 variant alleles.

Breakthrough Genomics
Classification: Benign. Review status: criteria provided, single submitter. Criteria: ACMG Guidelines, 2015. Collection method: not provided. Allele origin: germline. Inheritance: Autosomal recessive inheritance. Affected: yes.

PreventionGenetics, part of Exact Sciences
Classification: Benign. Review status: criteria provided, single submitter. Criteria: ACMG Guidelines, 2015. Collection method: clinical testing. Allele origin: germline.

Clinical Genetics DNA and cytogenetics Diagnostics Lab, Erasmus MC, Erasmus Medical Center
Classification: Benign. Review status: no assertion criteria provided. Collection method: clinical testing. Allele origin: germline. Affected: yes. Study: VKGL Data-share Consensus. Not counted in ClinVar's aggregate classification.

Clinical Genetics, Academic Medical Center
Classification: Benign. Review status: no assertion criteria provided. Collection method: clinical testing. Allele origin: germline. Affected: yes. Study: VKGL Data-share Consensus. Not counted in ClinVar's aggregate classification.

Diagnostic Laboratory, Department of Genetics, University Medical Center Groningen
Classification: Benign. Review status: no assertion criteria provided. Collection method: clinical testing. Allele origin: germline. Affected: yes. Study: VKGL Data-share Consensus. Not counted in ClinVar's aggregate classification.

Joint Genome Diagnostic Labs from Nijmegen and Maastricht, Radboudumc and MUMC+
Classification: Benign. Review status: no assertion criteria provided. Collection method: clinical testing. Allele origin: germline. Affected: yes. Study: VKGL Data-share Consensus. Not counted in ClinVar's aggregate classification.

NM_001927.4(DES):c.75A>G (p.Pro25=)

Gene: DES (desmin; plus strand). Cytogenetic location: 2q35.
Variant type: single nucleotide variant.
Coding change: c.75A>G on transcript NM_001927.4 (MANE Select); coding-DNA position 75, A replaced by G.
Protein change: p.Pro25=; no amino-acid change (proline 25 retained).
Molecular consequence: synonymous variant.
Genome position (GRCh38, 1-based): chr2:219,418,537, A>G. VCF-style: chr2-219418537-A-G. GRCh37 (hg19) VCF-style: chr2-220283259-A-G.
Other names: p.P25P:CCA>CCG; p.Pro25=.
Identifiers: ClinVar variation 36002 (VCV000036002.45), dbSNP rs1318299, ClinGen allele CA282355.